The following is an entry in ClinVar:

ClinVar aggregate classification (germline): Likely benign. Review status: criteria provided, multiple submitters, no conflicts (2 of 4 stars). 4 submissions from 4 submitters: Likely benign (3). 1 of the submissions does not count toward it. Last evaluated 2026-01-31.

Conditions:
JAK1-related disorder. Also called: JAK1-related condition.

Allele frequency attached by ClinVar (database versions not stated): gnomAD 0.00004 and 0.00005; TOPMed 0.00007; gnomAD exomes 0.00009 and 0.00014; 1000 Genomes Project 30x 0.00016; 1000 Genomes Project 0.00020; ExAC 0.00020.
gnomAD v4.1: 149 of 1,614,044 alleles (0.0092%); highest among the groups gnomAD compares: Middle Eastern, 0.4%; 1 homozygote.

Submissions (4):

Labcorp Genetics (formerly Invitae), Labcorp
Classification: Likely benign. Last evaluated: 2026-01-31. Review status: criteria provided, single submitter. Criteria: Invitae Variant Classification Sherloc (09022015). Collection method: clinical testing. Allele origin: germline.

Blueprint Genetics
Classification: Likely benign. Last evaluated: 2024-10-09. Review status: criteria provided, single submitter. Criteria: ACMG Guidelines, 2015. Collection method: clinical testing. Allele origin: germline.

Breakthrough Genomics
Classification: Likely benign. Review status: criteria provided, single submitter. Criteria: ACMG Guidelines, 2015. Collection method: not provided. Allele origin: germline. Inheritance: Autosomal dominant inheritance. Affected: yes.

PreventionGenetics, part of Exact Sciences
Classification: Likely benign for JAK1-related condition. Last evaluated: 2019-02-26. Review status: no assertion criteria provided. Collection method: clinical testing. Allele origin: germline. Not counted in ClinVar's aggregate classification.
Comment: This variant is classified as likely benign based on ACMG/AMP sequence variant interpretation guidelines (Richards et al. 2015 PMID: 25741868, with internal and published modifications).

NM_002227.4(JAK1):c.2629A>C (p.Arg877=)

Gene: JAK1 (Janus kinase 1; minus strand). Cytogenetic location: 1p31.3.
Variant type: single nucleotide variant.
Coding change: c.2629A>C on transcript NM_002227.4 (MANE Select); coding-DNA position 2629, A replaced by C.
Protein change: p.Arg877=; no amino-acid change (arginine 877 retained).
Molecular consequence: synonymous variant.
Genome position (GRCh38, 1-based): chr1:64,841,265, T>G on the plus strand (A>C on the coding strand, the complement: JAK1 is on the minus strand). VCF-style: chr1-64841265-T-G. GRCh37 (hg19) VCF-style: chr1-65306948-T-G.
Other names: c.2629A>C, p.Arg877= (NM_001320923.2, NM_001321852.2, NM_001321853.2 and 3 more transcripts); c.2626A>C, p.Arg876= (NM_001321857.2); c.2629A>C (NM_002227.3).
Identifiers: ClinVar variation 1593654 (VCV001593654.12), dbSNP rs565648053, ClinGen allele CA892629.